The following is an entry in ClinVar:

NM_000553.6(WRN):c.1573A>G (p.Lys525Glu)

Gene: WRN (WRN RecQ like helicase; plus strand). Cytogenetic location: 8p12.
Variant type: single nucleotide variant.
Coding change: c.1573A>G on transcript NM_000553.6 (MANE Select); coding-DNA position 1573, A replaced by G.
Protein change: p.Lys525Glu; replaces lysine 525 with glutamic acid.
Molecular consequence: missense variant.
Genome position (GRCh38, 1-based): chr8:31,087,917, A>G. VCF-style: chr8-31087917-A-G. GRCh37 (hg19) VCF-style: chr8-30945433-A-G.
Other names: short protein forms K525E.
Identifiers: ClinVar variation 1005767 (VCV001005767.8), dbSNP rs1813600027, ClinGen allele CA370925011.

ClinVar aggregate classification (germline): Uncertain significance. Review status: criteria provided, multiple submitters, no conflicts (2 of 4 stars). 2 submissions from 2 submitters: Uncertain significance (2). Last evaluated 2023-10-06.

Conditions:
Werner syndrome (WRN). Identifiers: Orphanet 902, MedGen C0043119, MONDO:0010196, OMIM 277700.

Allele frequency attached by ClinVar (database versions not stated): gnomAD exomes 0.00001.
gnomAD v4.1: 6 of 1,612,800 alleles (0.00037%); highest among the groups gnomAD compares: Non-Finnish European, 0.00051%; no homozygotes.

Submissions (2):

Labcorp Genetics (formerly Invitae), Labcorp
Classification: Uncertain significance for Werner syndrome. Last evaluated: 2023-10-06. Review status: criteria provided, single submitter. Criteria: Invitae Variant Classification Sherloc (09022015). Collection method: clinical testing. Allele origin: germline.
Comment: This sequence change replaces lysine, which is basic and polar, with glutamic acid, which is acidic and polar, at codon 525 of the WRN protein (p.Lys525Glu). This variant is not present in population databases (gnomAD no frequency). This variant has not been reported in the literature in individuals affected with WRN-related conditions. ClinVar contains an entry for this variant (Variation ID: 1005767). An algorithm developed to predict the effect of missense changes on protein structure and function (PolyPhen-2) suggests that this variant is likely to be tolerated. In summary, the available evidence is currently insufficient to determine the role of this variant in disease. Therefore, it has been classified as a Variant of Uncertain Significance.

GeneDx
Classification: Uncertain significance. Last evaluated: 2023-04-03. Review status: criteria provided, single submitter. Criteria: GeneDx Variant Classification Process June 2021. Collection method: clinical testing. Allele origin: germline. Affected: yes.
Comment: Not observed at significant frequency in large population cohorts (gnomAD); In silico analysis supports that this missense variant does not alter protein structure/function; Has not been previously published as pathogenic or benign to our knowledge